The following is an entry in ClinVar:

NM_013266.4(CTNNA3):c.2616A>C (p.Arg872Ser)

Gene: CTNNA3 (catenin alpha 3; minus strand). Cytogenetic location: 10q21.3.
Variant type: single nucleotide variant.
Coding change: c.2616A>C on transcript NM_013266.4 (MANE Select); coding-DNA position 2616, A replaced by C.
Protein change: p.Arg872Ser; replaces arginine 872 with serine.
Molecular consequence: missense variant.
Genome position (GRCh38, 1-based): chr10:65,920,402, T>G on the plus strand (A>C on the coding strand, the complement: CTNNA3 is on the minus strand). VCF-style: chr10-65920402-T-G. GRCh37 (hg19) VCF-style: chr10-67680160-T-G.
Other names: c.2616A>C, p.Arg872Ser (NM_001127384.3); short protein forms R872S.
Identifiers: ClinVar variation 1438251 (VCV001438251.9), dbSNP rs775103016, ClinGen allele CA5519539.

ClinVar aggregate classification (germline): Conflicting classifications of pathogenicity. Review status: criteria provided, conflicting classifications (1 of 4 stars). 2 submissions from 2 submitters: Uncertain significance (1); Likely benign (1). Last evaluated 2025-09-05.

Conditions:
Arrhythmogenic right ventricular dysplasia 13. Also called: ARRHYTHMOGENIC RIGHT VENTRICULAR CARDIOMYOPATHY 13; Arrhythmogenic right ventricular dysplasia, familial, 13. Identifiers: MedGen C3810138, MONDO:0000908, OMIM 615616.

Allele frequency attached by ClinVar (database versions not stated): ExAC 0.00001; gnomAD 0.00001; gnomAD exomes 0.00002; TOPMed 0.00002.
gnomAD v4.1: 11 of 1,614,048 alleles (0.00068%); highest among the groups gnomAD compares: Admixed American, 0.012%; no homozygotes.

Submissions (2):

Labcorp Genetics (formerly Invitae), Labcorp
Classification: Uncertain significance for Arrhythmogenic right ventricular dysplasia 13. Last evaluated: 2025-09-05. Review status: criteria provided, single submitter. Criteria: Invitae Variant Classification Sherloc (09022015). Collection method: clinical testing. Allele origin: germline.
Comment: This sequence change replaces arginine, which is basic and polar, with serine, which is neutral and polar, at codon 872 of the CTNNA3 protein (p.Arg872Ser). This variant is present in population databases (rs775103016, gnomAD 0.009%). This variant has not been reported in the literature in individuals affected with CTNNA3-related conditions. ClinVar contains an entry for this variant (Variation ID: 1438251). Invitae Evidence Modeling of protein sequence and biophysical properties (such as structural, functional, and spatial information, amino acid conservation, physicochemical variation, residue mobility, and thermodynamic stability) indicates that this missense variant is not expected to disrupt CTNNA3 protein function with a negative predictive value of 80%. In summary, the available evidence is currently insufficient to determine the role of this variant in disease. Therefore, it has been classified as a Variant of Uncertain Significance.

Blueprint Genetics
Classification: Likely benign. Last evaluated: 2019-08-23. Review status: criteria provided, single submitter. Criteria: ACMG Guidelines, 2015. Collection method: clinical testing. Allele origin: germline.